The following is an entry in ClinVar:

ClinVar aggregate classification (germline): Likely pathogenic (1 of 4 stars; one submission).

Conditions:
Hereditary angioedema type 1 (HAE1). Identifiers: Orphanet 100050, Orphanet 100051, Orphanet 91378, MedGen C2717906, MONDO:0015053, OMIM 106100.

Submission:

DNA-diagnostics Laboratory, Research Centre For Medical Genetics
Classification: Likely pathogenic for Hereditary angioedema type 1. Last evaluated: 2024-08-16. Review status: criteria provided, single submitter. Criteria: ACMG Guidelines, 2015. Collection method: research. Allele origin: unknown. Inheritance: Autosomal dominant inheritance. Affected: yes. Observed: 1 heterozygote.
Comment: The pathogenic or likely pathogenic SERPING1 gene variants are detected in >90% of the HAE1/2 families and in >80% of the total HAE families (e.g., DOI: 10.1016/j.molimm.2008.05.007, 10.1159/2F000138883, 10.1016/j.molimm.2011.07.010). The c.998C>A variant separately has previously been reported at least in 1 HAE1 family case (DOI: 10.2169/internalmedicine.50.6224). Such in silico algorithms as BayesDel, MutPred, REVEL support a deleterious effect of the c.998C>A variant with Supporting evidence of pathogenicity, when choosing at least two identical assessments and using the threshold ranges from ClinGen recommendations (DOI: 10.1016/j.ajhg.2022.10.013). In summary, the c.998C>A variant in SERPING1 meets ACMG/ClinGen SVI guidance criteria to be classified as likely pathogenic: PP4_Str, PM2_Sup, PP2, PP3

Literature cited by the submitters: DOI 10.2169/internalmedicine.50.6224.

NM_000062.3(SERPING1):c.998C>A (p.Ala333Asp)

Gene: SERPING1 (serpin family G member 1; plus strand). Cytogenetic location: 11q12.1.
Variant type: single nucleotide variant.
Coding change: c.998C>A on transcript NM_000062.3 (MANE Select); coding-DNA position 998, C replaced by A.
Protein change: p.Ala333Asp; replaces alanine 333 with aspartic acid.
Molecular consequence: missense variant.
Genome position (GRCh38, 1-based): chr11:57,606,516, C>A. VCF-style: chr11-57606516-C-A. GRCh37 (hg19) VCF-style: chr11-57373989-C-A.
Other names: c.998C>A, p.Ala333Asp (NM_001032295.2); short protein forms A333D.
Identifiers: ClinVar variation 3338034 (VCV003338034.2).